The following is an entry in ClinVar:

ClinVar aggregate classification (germline): Uncertain significance. Review status: criteria provided, multiple submitters, no conflicts (2 of 4 stars). 2 submissions from 2 submitters: Uncertain significance (2). Last evaluated 2025-10-23.

Conditions:
Hereditary cancer-predisposing syndrome. Also called: Tumor predisposition; Neoplastic Syndromes, Hereditary; Hereditary neoplastic syndrome; Hereditary Cancer Syndrome. Identifiers: Orphanet 140162, MedGen C0027672, MeSH D009386, MONDO:0015356.
Familial cancer of breast. Also called: Hereditary breast cancer; BREAST CANCER, FAMILIAL; hereditary breast carcinoma. Identifiers: Orphanet 227535, MedGen C0346153, MONDO:0016419, OMIM 114480. Disease mechanism: loss of function.

Allele frequency attached by ClinVar (database versions not stated): gnomAD exomes below 0.00001.

Submissions (2):

Ambry Genetics
Classification: Uncertain significance for Hereditary cancer-predisposing syndrome. Last evaluated: 2025-10-23. Review status: criteria provided, single submitter. Criteria: Ambry Variant Classification Scheme 2023. Collection method: clinical testing. Allele origin: germline.
Comment: The p.T323I variant (also known as c.968C>T), located in coding exon 8 of the CHEK2 gene, results from a C to T substitution at nucleotide position 968. The threonine at codon 323 is replaced by isoleucine, an amino acid with similar properties. This amino acid position is conserved. In addition, this alteration is predicted to be tolerated by in silico analysis. Since supporting evidence is limited at this time, the clinical significance of this alteration remains unclear.

Labcorp Genetics (formerly Invitae), Labcorp
Classification: Uncertain significance for Familial cancer of breast. Last evaluated: 2025-07-30. Review status: criteria provided, single submitter. Criteria: Invitae Variant Classification Sherloc (09022015). Collection method: clinical testing. Allele origin: germline.
Comment: This sequence change replaces threonine, which is neutral and polar, with isoleucine, which is neutral and non-polar, at codon 323 of the CHEK2 protein (p.Thr323Ile). This variant is not present in population databases (gnomAD no frequency). This variant has not been reported in the literature in individuals affected with CHEK2-related conditions. ClinVar contains an entry for this variant (Variation ID: 1016649). An algorithm developed to predict the effect of missense changes on protein structure and function (PolyPhen-2) suggests that this variant is likely to be disruptive. In summary, the available evidence is currently insufficient to determine the role of this variant in disease. Therefore, it has been classified as a Variant of Uncertain Significance.

NM_007194.4(CHEK2):c.968C>T (p.Thr323Ile)

Gene: CHEK2 (checkpoint kinase 2; minus strand). Cytogenetic location: 22q12.1.
Variant type: single nucleotide variant.
Coding change: c.968C>T on transcript NM_007194.4 (MANE Select); coding-DNA position 968, C replaced by T.
Protein change: p.Thr323Ile; replaces threonine 323 with isoleucine.
Molecular consequence: missense variant.
Genome position (GRCh38, 1-based): chr22:28,699,878, G>A on the plus strand (C>T on the coding strand, the complement: CHEK2 is on the minus strand). VCF-style: chr22-28699878-G-A. GRCh37 (hg19) VCF-style: chr22-29095866-G-A.
Other names: c.1097C>T, p.Thr366Ile (NM_001005735.3); c.305C>T, p.Thr102Ile (NM_001257387.3); c.767C>T, p.Thr256Ile (NM_001349956.3); c.968C>T, p.Thr323Ile (NM_145862.3); short protein forms T102I, T256I, T323I, T366I.
Identifiers: ClinVar variation 1016649 (VCV001016649.11), dbSNP rs2052761923, ClinGen allele CA411099720.